The following is an entry in ClinVar:

ClinVar aggregate classification (germline): Pathogenic. Review status: reviewed by expert panel (3 of 4 stars). 16 submissions from 15 submitters: Pathogenic (1). 15 of the submissions do not count toward it. Last evaluated 2017-03-17.

Conditions:
CFTR-related disorder (CFTR-RD). Also called: CFTR-related condition; CFTR-related disorders. Identifiers: MedGen C5924204, MONDO:7770004.
Congenital bilateral aplasia of vas deferens from CFTR mutation (CBAVD). Identifiers: Orphanet 48, MedGen C0403814, MONDO:0010178, OMIM 277180. Disease mechanism: loss of function.
Cystic fibrosis (CF). Also called: MUCOVISCIDOSIS. Identifiers: Orphanet 586, MedGen C0010674, MONDO:0009061, OMIM 219700. Disease mechanism: loss of function.
Bronchiectasis with or without elevated sweat chloride 1 (BESC1). Also called: Cystic Fibrosis-Like Syndrome. Identifiers: Orphanet 60033, MedGen C2749757, MONDO:0008887, OMIM 211400.
Hereditary pancreatitis (PCTT). Also called: PRSS1-Related Hereditary Pancreatitis; Hereditary chronic pancreatitis. Identifiers: Orphanet 676, MedGen C0238339, MONDO:0008185, OMIM 167800.

Allele frequency attached by ClinVar (database versions not stated): gnomAD exomes below 0.00001; TOPMed 0.00001; gnomAD 0.00001.

Submissions 1 to 11 of 16:

CFTR2
Classification: Pathogenic for Cystic fibrosis. Last evaluated: 2017-03-17. Review status: reviewed by expert panel. Criteria: Sosnay PR et al. (Nat Genet 2013). Collection method: research. Allele origin: germline. Affected: yes. Study: CFTR2.

Dasa
Classification: Pathogenic. Last evaluated: 2026-03-05. Review status: criteria provided, single submitter. Criteria: DASA Assertion Criteria. Collection method: clinical testing. Allele origin: germline. Not counted in ClinVar's aggregate classification.
Comment: NM_000492.4(CFTR):c.613C>T (p.Pro205Ser) is a missense variant that results in the substitution of proline with serine. The affected residue or protein region has prior evidence supporting clinical relevance. This variant has been observed in affected individuals with related phenotype in a genotype context consistent with recessive disease (PMID: 8663008; PMID: 9920885; PMID: 7505694; PMID: 21097845; PMID: 25363320). Functional evidence supports a deleterious effect on the gene or gene product (PMID: 8663008; PMID: 9920885; PMID: 7505694; PMID: 21097845; PMID: 25363320). This variant has been recurrently observed in individuals with related phenotype (PMID: 8663008; PMID: 9920885; PMID: 7505694; PMID: 21097845; PMID: 25363320). Multiple computational predictions support a deleterious effect on the gene or gene product. The variant is present at low frequency in population datasets. Based on the available data, this variant is classified as pathogenic.

Labcorp Genetics (formerly Invitae), Labcorp
Classification: Pathogenic for Cystic fibrosis. Last evaluated: 2026-01-13. Review status: criteria provided, single submitter. Criteria: Invitae Variant Classification Sherloc (09022015). Collection method: clinical testing. Allele origin: germline. Not counted in ClinVar's aggregate classification.
Comment: This sequence change replaces proline, which is neutral and non-polar, with serine, which is neutral and polar, at codon 205 of the CFTR protein (p.Pro205Ser). This variant is present in population databases (rs121908803, gnomAD 0.003%). This missense change has been observed in individuals with cystic fibrosis (PMID: 7505694, 21097845, 25363320). It has also been observed to segregate with disease in related individuals. ClinVar contains an entry for this variant (Variation ID: 54026). Invitae Evidence Modeling of protein sequence and biophysical properties (such as structural, functional, and spatial information, amino acid conservation, physicochemical variation, residue mobility, and thermodynamic stability) indicates that this missense variant is expected to disrupt CFTR protein function with a positive predictive value of 80%. Experimental studies have shown that this missense change affects CFTR function (PMID: 23974870). For these reasons, this variant has been classified as Pathogenic.

Natera, Inc.
Classification: Pathogenic for CFTR-related disorders. Last evaluated: 2025-10-20. Review status: criteria provided, single submitter. Criteria: Natera Variant Classification Schema (03/2026). Collection method: clinical testing. Allele origin: germline. Not counted in ClinVar's aggregate classification.
Comment: The c.613C>T variant in CFTR is a missense variant predicted to cause substitution of proline to serine at amino acid 205. This variant is rare in the general population with a frequency below the threshold expected for the associated phenotype(s). This variant has been observed in one or more individuals affected with the associated recessive disease, as either homozygous or compound heterozygous with a second variant (PMID: 24583165). Computational prediction algorithms indicate this variant is likely to affect gene or protein function. Given the available evidence, this variant is classified as Pathogenic.

Ambry Genetics
Classification: Pathogenic for Cystic fibrosis. Last evaluated: 2024-08-29. Review status: criteria provided, single submitter. Criteria: Ambry Variant Classification Scheme 2023. Collection method: clinical testing. Allele origin: germline. Not counted in ClinVar's aggregate classification.
Comment: The p.P205S pathogenic mutation (also known as c.613C>T), located in coding exon 6 of the CFTR gene, results from a C to T substitution at nucleotide position 613. The proline at codon 205 is replaced by serine, an amino acid with similar properties. In vitro functional studies revealed that the p.P205S mutant protein had reduced CFTR protein quantity and chloride conductance (Sheppard DN et al. J. Biol. Chem., 1996 Jun;271:14995-5001; Sosnay PR et al. Nat. Genet., 2013 Oct;45:1160-7). This pathogenic mutation is associated with elevated sweat chloride levels and and the majority of individuals are pancreatic sufficient (Sosnay PR et al. Nat. Genet., 2013 Oct;45:1160-7). This amino acid position is highly conserved in available vertebrate species. In addition, this alteration is predicted to be deleterious by in silico analysis. Based on the supporting evidence, this variant is interpreted as a disease-causing mutation.

Fulgent Genetics
Classification: Pathogenic for Hereditary pancreatitis; Bronchiectasis with or without elevated sweat chloride 1; Cystic fibrosis; Congenital bilateral aplasia of vas deferens from CFTR mutation. Last evaluated: 2024-05-23. Review status: criteria provided, single submitter. Criteria: ACMG Guidelines, 2015. Collection method: clinical testing. Allele origin: germline. Not counted in ClinVar's aggregate classification.

Baylor Genetics
Classification: Pathogenic for Bronchiectasis with or without elevated sweat chloride 1. Last evaluated: 2024-03-26. Review status: criteria provided, single submitter. Criteria: ACMG Guidelines, 2015. Collection method: clinical testing. Allele origin: unknown. Not counted in ClinVar's aggregate classification.

Quest Diagnostics Nichols Institute San Juan Capistrano
Classification: Pathogenic. Last evaluated: 2024-02-27. Review status: criteria provided, single submitter. Criteria: Quest Diagnostics criteria. Collection method: clinical testing. Allele origin: unknown. Not counted in ClinVar's aggregate classification.
Comment: The CFTR c.613C>T (p.Pro205Ser) variant has been reported in the published literature in several individuals affected with cystic fibrosis (CF) and described as pancreatic-sufficient (PMIDs: 16114821(2005), 21097845 (2011), 23857699(2013), 34065744(2021), 34782259 (2021)). Functional studies have shown that this variant caused defects in the maturation and localization of the CFTR protein significantly affecting its function (PMIDs: 8663008 (1996), 9920885 (1999), 23974870 (2013), 34065744 (2021)). The frequency of this variant in the general population, 0.000004 (1/251432 chromosomes (Genome Aggregation Database)), is consistent with pathogenicity. Based on the available information, this variant is classified as pathogenic.

Mendelics
Classification: Pathogenic for Cystic fibrosis. Last evaluated: 2018-11-05. Review status: criteria provided, single submitter. Criteria: Mendelics Assertion Criteria 2017. Collection method: clinical testing. Allele origin: unknown. Affected: yes. Not counted in ClinVar's aggregate classification.

ARUP Laboratories, Molecular Genetics and Genomics, ARUP Laboratories
Classification: Pathogenic. Last evaluated: 2018-06-26. Review status: criteria provided, single submitter. Criteria: ARUP Molecular Germline Variant Investigation Process. Collection method: clinical testing. Allele origin: germline. Not counted in ClinVar's aggregate classification.
Comment: The CFTR c.613C>T; p.Pro205Ser variant (rs121908803) is reported in individuals with cystic fibrosis, commonly associated with the pancreatic sufficient form (CFTR2 database, Chillon 1993, Sheridan 2011, Sosnay 2013). Functional studies of the variant protein show decreased protein maturation and severely impaired chloride channel function (Sheppard 1996). This variant is reported as pathogenic in ClinVar (Variation ID: 54026), and it is found in the general population with a low overall allele frequency of 0.0004% (1/246192 alleles) in the Genome Aggregation Database. The proline at codon 205 is highly conserved, and computational analyses (SIFT, PolyPhen-2) predict that this variant is deleterious. Based on available information, this variant is considered to be moderately pathogenic. REFERENCES CFTR2 database: Chillon M et al. Identification of a new missense mutation (P205S) in the first transmembrane domain of the CFTR gene associated with a mild cystic fibrosis phenotype. Hum Mol Genet. 1993 Oct;2(10):1741-2. Sheppard DN et al. Contribution of proline residues in the membrane-spanning domains of cystic fibrosis transmembrane conductance regulator to chloride channel function. J Biol Chem. 1996 Jun 21;271(25):14995-5001. Sheridan MB et al. CFTR transcription defects in pancreatic sufficient cystic fibrosis patients with only one mutation in the coding region of CFTR. J Med Genet. 2011 Apr;48(4):235-41. Sosnay PR et al. Defining the disease liability of variants in the cystic fibrosis transmembrane conductance regulator gene. Nat Genet. 2013 Oct;45(10):1160-7.

CFTR-France
Classification: Pathogenic for cystic fibrosis. Last evaluated: 2018-01-29. Review status: criteria provided, single submitter. Criteria: Claustres M et al. (Hum Mutat 2017). Collection method: curation. Allele origin: germline. Affected: yes. Not counted in ClinVar's aggregate classification.

NM_000492.4(CFTR):c.613C>T (p.Pro205Ser)

Gene: CFTR (CF transmembrane conductance regulator; plus strand). Cytogenetic location: 7q31.2.
Variant type: single nucleotide variant.
Coding change: c.613C>T on transcript NM_000492.4 (MANE Select); coding-DNA position 613, C replaced by T.
Protein change: p.Pro205Ser; replaces proline 205 with serine.
Molecular consequence: missense variant.
Genome position (GRCh38, 1-based): chr7:117,535,281, C>T. VCF-style: chr7-117535281-C-T. GRCh37 (hg19) VCF-style: chr7-117175335-C-T.
Other names: short protein forms P205S.
Identifiers: ClinVar variation 54026 (VCV000054026.34), dbSNP rs121908803, ClinGen allele CA328130.